The following is an entry in ClinVar:

ClinVar aggregate classification (germline): Uncertain significance (1 of 4 stars; one submission).

Submission:

GeneDx
Classification: Uncertain significance. Last evaluated: 2024-02-15. Review status: criteria provided, single submitter. Criteria: GeneDx Variant Classification Process June 2021. Collection method: clinical testing. Allele origin: germline. Affected: yes.
Comment: Not observed at significant frequency in large population cohorts (gnomAD); In silico analysis supports that this missense variant has a deleterious effect on protein structure/function; Has not been previously published as pathogenic or benign to our knowledge

NM_006662.3(SRCAP):c.347A>C (p.Glu116Ala)

Gene: SRCAP (Snf2 related CREBBP activator protein; plus strand). Cytogenetic location: 16p11.2.
Variant type: single nucleotide variant.
Coding change: c.347A>C on transcript NM_006662.3 (MANE Select); coding-DNA position 347, A replaced by C.
Protein change: p.Glu116Ala; replaces glutamic acid 116 with alanine.
Molecular consequence: missense variant.
Genome position (GRCh38, 1-based): chr16:30,707,223, A>C. VCF-style: chr16-30707223-A-C. GRCh37 (hg19) VCF-style: chr16-30718544-A-C.
Other names: short protein forms E116A.
Identifiers: ClinVar variation 3368353 (VCV003368353.1).